The following is an entry in ClinVar:

ClinVar aggregate classification (germline): Likely benign (1 of 4 stars; one submission).

Conditions:
GPRASP2-related disorder. Also called: GPRASP2-related condition.

gnomAD v4.1: 90 of 1,207,684 alleles (0.0075%); highest among the groups gnomAD compares: Non-Finnish European, 0.0095%; no homozygotes.

Submission:

PreventionGenetics, part of Exact Sciences
Classification: Likely benign for GPRASP2-related condition. Last evaluated: 2025-09-04. Review status: criteria provided, single submitter. Criteria: ACMG Guidelines, 2015. Collection method: clinical testing. Allele origin: germline.
Comment: This variant is classified as likely benign based on ACMG/AMP sequence variant interpretation guidelines (Richards et al. 2015 PMID: 25741868, with internal and published modifications).

NM_001004051.4(GPRASP2):c.2043A>G (p.Gln681=)

Genes: ARMCX5-GPRASP2 (ARMCX5-GPRASP2 readthrough; plus strand), GPRASP2 (G protein-coupled receptor associated sorting protein 2; plus strand). Cytogenetic location: Xq22.1.
Variant type: single nucleotide variant.
Coding change: c.2043A>G on transcript NM_001004051.4 (MANE Select); coding-DNA position 2043, A replaced by G.
Protein change: p.Gln681=; no amino-acid change (glutamine 681 retained).
Molecular consequence: synonymous variant. On other transcripts: intron variant (3).
Genome position (GRCh38, 1-based): chrX:102,716,912, A>G. VCF-style: chrX-102716912-A-G. GRCh37 (hg19) VCF-style: chrX-101971840-A-G.
Other names: c.2043A>G, p.Gln681= (NM_001199818.1, NM_001184874.3, NM_001184875.3 and 2 more transcripts); c.-820+2646A>G (NM_001350268.2); c.-752+2646A>G (NM_001350269.2); c.-721+2646A>G (NM_001350270.1).
Identifiers: ClinVar variation 4983937 (VCV004983937.1).